The following is an entry in ClinVar:

NM_012471.3(TRPC5):c.597C>T (p.Ile199=)

Gene: TRPC5 (transient receptor potential cation channel subfamily C member 5; minus strand). Cytogenetic location: Xq23.
Variant type: single nucleotide variant.
Coding change: c.597C>T on transcript NM_012471.3 (MANE Select); coding-DNA position 597, C replaced by T.
Protein change: p.Ile199=; no amino-acid change (isoleucine 199 retained).
Molecular consequence: synonymous variant.
Genome position (GRCh38, 1-based): chrX:111,912,594, G>A on the plus strand (C>T on the coding strand, the complement: TRPC5 is on the minus strand). VCF-style: chrX-111912594-G-A. GRCh37 (hg19) VCF-style: chrX-111155822-G-A.
Identifiers: ClinVar variation 3037041 (VCV003037041.2), dbSNP rs148043753, ClinGen allele CA10494397.

ClinVar aggregate classification (germline): Likely benign (0 of 4 stars; one submission).

Conditions:
TRPC5-related disorder. Also called: TRPC5-related condition.

Allele frequency attached by ClinVar (database versions not stated): gnomAD exomes 0.00008; ExAC 0.00028; gnomAD 0.00080; TOPMed 0.00092; ESP Exome Variant Server 0.00114; 1000 Genomes Project 30x 0.00187; 1000 Genomes Project 0.00238.
gnomAD v4.1: 178 of 1,209,845 alleles (0.015%); highest among the groups gnomAD compares: African/African-American, 0.3%; 1 homozygote.

Submission:

PreventionGenetics, part of Exact Sciences
Classification: Likely benign for TRPC5-related condition. Last evaluated: 2021-12-07. Review status: no assertion criteria provided. Collection method: clinical testing. Allele origin: germline.
Comment: This variant is classified as likely benign based on ACMG/AMP sequence variant interpretation guidelines (Richards et al. 2015 PMID: 25741868, with internal and published modifications).